The following is an entry in ClinVar:

ClinVar aggregate classification (germline): Uncertain significance (1 of 4 stars; one submission).

gnomAD v4.1: 2 of 1,613,076 alleles (0.00012%); highest among the groups gnomAD compares: Non-Finnish European, 0.00017%; no homozygotes.

Submission:

Ambry Genetics
Classification: Uncertain significance. Last evaluated: 2025-02-20. Review status: criteria provided, single submitter. Criteria: Ambry Variant Classification Scheme 2023. Collection method: clinical testing. Allele origin: germline.
Comment: The p.D834E variant (also known as c.2502C>A), located in coding exon 6 of the CDK12 gene, results from a C to A substitution at nucleotide position 2502. The aspartic acid at codon 834 is replaced by glutamic acid, an amino acid with highly similar properties. This amino acid position is conserved. In addition, this alteration is predicted to be tolerated by in silico analysis. Based on the available evidence, the clinical significance of this variant remains unclear.

NM_016507.4(CDK12):c.2502C>A (p.Asp834Glu)

Gene: CDK12 (cyclin dependent kinase 12; plus strand). Cytogenetic location: 17q12.
Variant type: single nucleotide variant.
Coding change: c.2502C>A on transcript NM_016507.4 (MANE Select); coding-DNA position 2502, C replaced by A.
Protein change: p.Asp834Glu; replaces aspartic acid 834 with glutamic acid.
Molecular consequence: missense variant.
Genome position (GRCh38, 1-based): chr17:39,501,332, C>A. VCF-style: chr17-39501332-C-A. GRCh37 (hg19) VCF-style: chr17-37657585-C-A.
Other names: c.2502C>A, p.Asp834Glu (NM_015083.4); short protein forms D834E.
Identifiers: ClinVar variation 3830689 (VCV003830689.1).